The following is an entry in ClinVar:

ClinVar aggregate classification (germline): Uncertain significance (1 of 4 stars; one submission).

Conditions:
Inborn genetic diseases. Identifiers: MedGen C0950123, MeSH D030342.

Submission:

Ambry Genetics
Classification: Uncertain significance for Inborn genetic diseases. Last evaluated: 2026-01-23. Review status: criteria provided, single submitter. Criteria: Ambry Variant Classification Scheme 2023. Collection method: clinical testing. Allele origin: germline.
Comment: The p.L380V variant (also known as c.1138C>G), located in coding exon 10 of the AKT1 gene, results from a C to G substitution at nucleotide position 1138. The leucine at codon 380 is replaced by valine, an amino acid with highly similar properties. This amino acid position is conserved. In addition, the in silico prediction for this alteration is inconclusive. Based on the available evidence, the clinical significance of this variant remains unclear.

NM_001382430.1(AKT1):c.1138C>G (p.Leu380Val)

Gene: AKT1 (AKT serine/threonine kinase 1; minus strand). Cytogenetic location: 14q32.33.
Variant type: single nucleotide variant.
Coding change: c.1138C>G on transcript NM_001382430.1 (MANE Select); coding-DNA position 1138, C replaced by G.
Protein change: p.Leu380Val; replaces leucine 380 with valine.
Molecular consequence: missense variant.
Genome position (GRCh38, 1-based): chr14:104,772,912, G>C on the plus strand (C>G on the coding strand, the complement: AKT1 is on the minus strand). VCF-style: chr14-104772912-G-C. GRCh37 (hg19) VCF-style: chr14-105239249-G-C.
Other names: c.1138C>G, p.Leu380Val (NM_001014431.2, NM_001014432.2, NM_001382431.1 and 3 more transcripts); short protein forms L380V.
Identifiers: ClinVar variation 4825725 (VCV004825725.1).